The following is an entry in ClinVar:

NM_001098511.3(KIF2A):c.602T>A (p.Ile201Asn)

Gene: KIF2A (kinesin family member 2A; plus strand). Cytogenetic location: 5q12.1.
Variant type: single nucleotide variant.
Coding change: c.602T>A on transcript NM_001098511.3 (MANE Select); coding-DNA position 602, T replaced by A.
Protein change: p.Ile201Asn; replaces isoleucine 201 with asparagine.
Molecular consequence: missense variant.
Genome position (GRCh38, 1-based): chr5:62,355,202, T>A. VCF-style: chr5-62355202-T-A. GRCh37 (hg19) VCF-style: chr5-61651029-T-A.
Other names: c.521T>A, p.Ile174Asn (NM_001243952.2); c.545T>A, p.Ile182Asn (NM_001243953.2); c.602T>A, p.Ile201Asn (NM_004520.5); short protein forms I182N, I174N, I201N.
Identifiers: ClinVar variation 2842552 (VCV002842552.3), dbSNP rs2531338002, ClinGen allele CA359949432.
Genomic context (GRCh38, chr5:62,355,202, plus strand): 5'-TCTCTGTCTTCTAATAGGACGTTGATGCTACAAACCCAAATTATGAAATTATGTGTATGA[T>A]CAGAGACTTTAGAGGAAGTTTGGATTATAGACCATTAACAACAGCAGATCCTGTAAGATT-3'
Protein context (NP_001091981.1, residues 191-211): TNPNYEIMCM[Ile201Asn]RDFRGSLDYR

ClinVar aggregate classification (germline): Uncertain significance (1 of 4 stars; one submission).

Submission:

Labcorp Genetics (formerly Invitae), Labcorp
Classification: Uncertain significance. Last evaluated: 2025-02-24. Review status: criteria provided, single submitter. Criteria: Invitae Variant Classification Sherloc (09022015). Collection method: clinical testing. Allele origin: germline.
Comment: This sequence change replaces isoleucine, which is neutral and non-polar, with asparagine, which is neutral and polar, at codon 201 of the KIF2A protein (p.Ile201Asn). This variant is not present in population databases (gnomAD no frequency). This variant has not been reported in the literature in individuals affected with KIF2A-related conditions. ClinVar contains an entry for this variant (Variation ID: 2842552). An algorithm developed to predict the effect of missense changes on protein structure and function (PolyPhen-2) suggests that this variant is likely to be disruptive. In summary, the available evidence is currently insufficient to determine the role of this variant in disease. Therefore, it has been classified as a Variant of Uncertain Significance.